The following is an entry in ClinVar:

ClinVar aggregate classification (germline): Likely benign. Review status: criteria provided, multiple submitters, no conflicts (2 of 4 stars). 3 submissions from 3 submitters: Likely benign (3). Last evaluated 2024-10-14.

Conditions:
Hereditary diffuse gastric adenocarcinoma (HDGC). Also called: DIFFUSE GASTRIC AND LOBULAR BREAST CANCER SYNDROME. Identifiers: Orphanet 26106, MedGen C1708349, MONDO:0007648, OMIM 137215.

gnomAD v4.1: 4 of 1,588,482 alleles (0.00025%); highest among the groups gnomAD compares: Non-Finnish European, 0.00034%; no homozygotes.

Submissions (3):

Myriad Genetics, Inc.
Classification: Likely benign for Hereditary diffuse gastric adenocarcinoma. Last evaluated: 2024-10-14. Review status: criteria provided, single submitter. Criteria: Myriad Autosomal Dominant, Autosomal Recessive and X-Linked Classification Criteria (2023). Collection method: clinical testing. Allele origin: unknown.
Comment: This variant is considered likely benign. This variant is intronic and is not expected to impact mRNA splicing.

Labcorp Genetics (formerly Invitae), Labcorp
Classification: Likely benign. Last evaluated: 2024-10-02. Review status: criteria provided, single submitter. Criteria: Invitae Variant Classification Sherloc (09022015). Collection method: clinical testing. Allele origin: germline.

Blueprint Genetics
Classification: Likely benign. Last evaluated: 2021-06-14. Review status: criteria provided, single submitter. Criteria: ACMG Guidelines, 2015. Collection method: clinical testing. Allele origin: germline.

NM_001903.5(CTNNA1):c.2011-20C>T

Gene: CTNNA1 (catenin alpha 1; plus strand). Cytogenetic location: 5q31.2.
Variant type: single nucleotide variant.
Coding change: c.2011-20C>T on transcript NM_001903.5 (MANE Select); 20 bases into the intron before coding-DNA position 2011, C replaced by T.
Molecular consequence: intron variant.
Genome position (GRCh38, 1-based): chr5:138,930,453, C>T. VCF-style: chr5-138930453-C-T. GRCh37 (hg19) VCF-style: chr5-138266142-C-T.
Other names: c.2011-20C>T (NM_001323982.2, NM_001323984.2, NM_001290307.3 and 2 more transcripts); c.1918-20C>T (NM_001323986.2); c.1642-20C>T (NM_001290310.3); c.1702-20C>T (NM_001290309.3); c.901-20C>T (NM_001323996.1, NM_001323993.1, NM_001324005.1 and 17 more transcripts); c.562-20C>T (NM_001324007.1, NM_001324009.1, NM_001324006.1 and 2 more transcripts); c.658-20C>T (NM_001324013.1, NM_001324012.1); c.808-20C>T (NM_001324011.1).
Identifiers: ClinVar variation 1453678 (VCV001453678.10), dbSNP rs1561773293, ClinGen allele CA2573139154.
Genomic context (GRCh38, chr5:138,930,453, plus strand): 5'-GTTGGAAATATTCTTGGCTAATGCACTCTGAGAACTTCATATTCTTTTTATGTAAGAGCT[C>T]TTTGTGCTTCTGATCACAGGCGATCATGGCTCAGCTTCCCCAGGAGCAAAAAGCGAAGAT-3'